The following is an entry in ClinVar:

ClinVar aggregate classification (germline): Pathogenic (1 of 4 stars; one submission).

Conditions:
Hereditary breast ovarian cancer syndrome. Also called: Hereditary breast and ovarian cancer; BRCA1- and BRCA2-Associated Hereditary Breast and Ovarian Cancer; Hereditary breast and/or ovarian cancer syndrome; Hereditary breast and ovarian cancer syndrome; Hereditary breast and ovarian cancer syndrome (HBOC); Breast and ovarian cancer. Identifiers: Orphanet 145, MedGen C0677776, MeSH D061325, MONDO:0003582. Disease mechanism: loss of function.

Submission:

Labcorp Genetics (formerly Invitae), Labcorp
Classification: Pathogenic for Hereditary breast ovarian cancer syndrome. Last evaluated: 2019-09-29. Review status: criteria provided, single submitter. Criteria: Invitae Variant Classification Sherloc (09022015). Collection method: clinical testing. Allele origin: germline.
Comment: This variant is not present in population databases (ExAC no frequency). For these reasons, this variant has been classified as Pathogenic. Loss-of-function variants in BRCA2 are known to be pathogenic (PMID: 20104584). This variant has not been reported in the literature in individuals with BRCA2-related conditions. This sequence change creates a premature translational stop signal (p.Leu1103Phefs*4) in the BRCA2 gene. It is expected to result in an absent or disrupted protein product.

Literature cited by the submitters: PubMed 20104584.

NM_000059.4(BRCA2):c.3308dup (p.Leu1103fs)

Gene: BRCA2 (BRCA2 DNA repair associated; plus strand). Cytogenetic location: 13q13.1.
Variant type: Duplication.
Coding change: c.3308dup on transcript NM_000059.4 (MANE Select); coding-DNA position 3308, one base duplicated (T; older notation c.3308dupT).
Protein change: p.Leu1103fs; shifts the reading frame from leucine 1103.
Molecular consequence: frameshift variant.
Genome position (GRCh38, 1-based): chr13:32,337,663, T duplicated; the last of 3 consecutive T bases (chr13:32,337,661-32,337,663); duplicating any one gives the same sequence. VCF-style (leftmost placement, unchanged base first): chr13-32337660-A-AT. GRCh37 (hg19) VCF-style: chr13-32911797-A-AT.
Other names: short protein forms L1103fs.
Identifiers: ClinVar variation 959854 (VCV000959854.8), dbSNP rs1555283160, ClinGen allele CA1139663141.